The following is an entry in ClinVar:

ClinVar aggregate classification (germline): Uncertain significance. Review status: criteria provided, multiple submitters, no conflicts (2 of 4 stars). 2 submissions from 2 submitters: Uncertain significance (2). Last evaluated 2024-09-30.

Conditions:
Autosomal dominant limb-girdle muscular dystrophy type 1G (LGMDD3). Also called: Limb-girdle muscular dystrophy, type 1G; MUSCULAR DYSTROPHY, LIMB-GIRDLE, AUTOSOMAL DOMINANT 3. Identifiers: Orphanet 55596, MedGen C1836765, MONDO:0012193, OMIM 609115.

Submissions (2):

Labcorp Genetics (formerly Invitae), Labcorp
Classification: Uncertain significance for Autosomal dominant limb-girdle muscular dystrophy type 1G. Last evaluated: 2024-09-30. Review status: criteria provided, single submitter. Criteria: Invitae Variant Classification Sherloc (09022015). Collection method: clinical testing. Allele origin: germline.
Comment: This sequence change replaces alanine, which is neutral and non-polar, with proline, which is neutral and non-polar, at codon 102 of the HNRNPDL protein (p.Ala102Pro). This variant is not present in population databases (gnomAD no frequency). This variant has not been reported in the literature in individuals affected with HNRNPDL-related conditions. An algorithm developed to predict the effect of missense changes on protein structure and function (PolyPhen-2) suggests that this variant is likely to be disruptive. In summary, the available evidence is currently insufficient to determine the role of this variant in disease. Therefore, it has been classified as a Variant of Uncertain Significance.

Women's Health and Genetics/Laboratory Corporation of America, LabCorp
Classification: Uncertain significance. Last evaluated: 2024-03-21. Review status: criteria provided, single submitter. Criteria: LabCorp Variant Classification Summary - May 2015. Collection method: clinical testing. Allele origin: germline.
Comment: Variant summary: HNRNPDL c.304G>C (p.Ala102Pro) results in a non-conservative amino acid change in the encoded protein sequence. Four of five in-silico tools predict a benign effect of the variant on protein function. The variant was absent in 248536 control chromosomes. The available data on variant occurrences in the general population are insufficient to allow any conclusion about variant significance. To our knowledge, no occurrence of c.304G>C in individuals affected with Autosomal Dominant Limb-Girdle Muscular Dystrophy Type 1G and no experimental evidence demonstrating its impact on protein function have been reported. ClinVar contains an entry for this variant (Variation ID: 3010082). Based on the evidence outlined above, the variant was classified as uncertain significance.

NM_031372.4(HNRNPDL):c.304G>C (p.Ala102Pro)

Gene: HNRNPDL (heterogeneous nuclear ribonucleoprotein D like; minus strand). Cytogenetic location: 4q21.22.
Variant type: single nucleotide variant.
Coding change: c.304G>C on transcript NM_031372.4 (MANE Select); coding-DNA position 304, G replaced by C.
Protein change: p.Ala102Pro; replaces alanine 102 with proline.
Molecular consequence: missense variant. On other transcripts: non-coding transcript variant (1).
Genome position (GRCh38, 1-based): chr4:82,429,387, C>G on the plus strand (G>C on the coding strand, the complement: HNRNPDL is on the minus strand). VCF-style: chr4-82429387-C-G. GRCh37 (hg19) VCF-style: chr4-83350540-C-G.
Other names: c.304G>C, p.Ala102Pro (NM_001207000.1); short protein forms A102P.
Identifiers: ClinVar variation 3010082 (VCV003010082.5), dbSNP rs923545322, ClinGen allele CA357172631.
Genomic context (GRCh38, chr4:82,429,387, plus strand): 5'-CCTCCATAGTGACGGAGCTGTCGGCAGGGGGGTGCTGGCGCGCAGTCCGGGTCGCGGCAG[C>G]AGCGGCGGCGGAGCGTTGTATGGAGCTGGATTTAAAATGGCGGCGGAAGAGATCCGGGCG-3'
Protein context (NP_112740.1, residues 92-112): SSSIQRSAAA[Ala102Pro]AATRTARQHP